The following is an entry in ClinVar:

NM_000702.4(ATP1A2):c.1318G>T (p.Val440Leu)

Gene: ATP1A2 (ATPase Na+/K+ transporting subunit alpha 2; plus strand). Cytogenetic location: 1q23.2.
Variant type: single nucleotide variant.
Coding change: c.1318G>T on transcript NM_000702.4 (MANE Select); coding-DNA position 1318, G replaced by T.
Protein change: p.Val440Leu; replaces valine 440 with leucine.
Molecular consequence: missense variant.
Genome position (GRCh38, 1-based): chr1:160,129,081, G>T. VCF-style: chr1-160129081-G-T. GRCh37 (hg19) VCF-style: chr1-160098871-G-T.
Other names: short protein forms V440L.
Identifiers: ClinVar variation 853901 (VCV000853901.27), dbSNP rs768088341, ClinGen allele CA1194440.

ClinVar aggregate classification (germline): Uncertain significance. Review status: criteria provided, multiple submitters, no conflicts (2 of 4 stars). 4 submissions from 4 submitters: Uncertain significance (4). Last evaluated 2025-11-23.

Conditions:
Inborn genetic diseases. Identifiers: MedGen C0950123, MeSH D030342.
Familial hemiplegic migraine. Identifiers: MedGen C0338484, MONDO:0000700.

Allele frequency attached by ClinVar (database versions not stated): gnomAD 0.00001; TOPMed 0.00001.
gnomAD v4.1: 13 of 1,613,716 alleles (0.00081%); highest among the groups gnomAD compares: African/African-American, 0.0013%; no homozygotes.

Submissions (4):

Ambry Genetics
Classification: Uncertain significance for Inborn genetic diseases. Last evaluated: 2025-11-23. Review status: criteria provided, single submitter. Criteria: Ambry Variant Classification Scheme 2023. Collection method: clinical testing. Allele origin: germline.

CeGaT Center for Human Genetics Tuebingen
Classification: Uncertain significance. Last evaluated: 2025-03-01. Review status: criteria provided, single submitter. Criteria: CeGaT Center For Human Genetics Tuebingen Variant Classification Criteria Version 2. Collection method: clinical testing. Allele origin: germline. Affected: yes. Observed: 2 variant alleles.
Comment: ATP1A2: PM2

Labcorp Genetics (formerly Invitae), Labcorp
Classification: Uncertain significance for Familial hemiplegic migraine. Last evaluated: 2023-07-19. Review status: criteria provided, single submitter. Criteria: Invitae Variant Classification Sherloc (09022015). Collection method: clinical testing. Allele origin: germline.
Comment: In summary, the available evidence is currently insufficient to determine the role of this variant in disease. Therefore, it has been classified as a Variant of Uncertain Significance. Advanced modeling of protein sequence and biophysical properties (such as structural, functional, and spatial information, amino acid conservation, physicochemical variation, residue mobility, and thermodynamic stability) has been performed at Invitae for this missense variant, however the output from this modeling did not meet the statistical confidence thresholds required to predict the impact of this variant on ATP1A2 protein function. ClinVar contains an entry for this variant (Variation ID: 853901). This variant has not been reported in the literature in individuals affected with ATP1A2-related conditions. This variant is present in population databases (rs768088341, gnomAD 0.002%). This sequence change replaces valine, which is neutral and non-polar, with leucine, which is neutral and non-polar, at codon 440 of the ATP1A2 protein (p.Val440Leu).

GeneDx
Classification: Uncertain significance. Last evaluated: 2021-08-17. Review status: criteria provided, single submitter. Criteria: GeneDx Variant Classification Process June 2021. Collection method: clinical testing. Allele origin: germline. Affected: yes.
Comment: Not observed at significant frequency in large population cohorts (gnomAD); In silico analysis supports that this missense variant does not alter protein structure/function; Has not been previously published as pathogenic or benign to our knowledge